The following is an entry in ClinVar:

NM_181332.3(NLGN4X):c.226G>A (p.Val76Ile)

Gene: NLGN4X (neuroligin 4 X-linked; minus strand). Cytogenetic location: Xp22.31.
Variant type: single nucleotide variant.
Coding change: c.226G>A on transcript NM_181332.3 (MANE Select); coding-DNA position 226, G replaced by A.
Protein change: p.Val76Ile; replaces valine 76 with isoleucine.
Molecular consequence: missense variant.
Genome position (GRCh38, 1-based): chrX:6,151,241, C>T on the plus strand (G>A on the coding strand, the complement: NLGN4X is on the minus strand). VCF-style: chrX-6151241-C-T. GRCh37 (hg19) VCF-style: chrX-6069282-C-T.
Other names: c.226G>A, p.Val76Ile (NM_001282145.2, NM_001282146.2, NM_001441322.1 and 4 more transcripts); short protein forms V76I.
Identifiers: ClinVar variation 4849175 (VCV004849175.1).

ClinVar aggregate classification (germline): Uncertain significance (1 of 4 stars; one submission).

Submission:

Women's Health and Genetics/Laboratory Corporation of America, LabCorp
Classification: Uncertain significance. Last evaluated: 2026-04-22. Review status: criteria provided, single submitter. Criteria: LabCorp Variant Classification Summary - May 2015. Collection method: clinical testing. Allele origin: germline.
Comment: Variant summary: NLGN4X c.226G>A (p.Val76Ile) results in a conservative amino acid change in the encoded protein sequence. Algorithms developed to predict the effect of missense changes on protein structure and function are either unavailable or do not agree on the potential impact of this missense change. The variant was absent in 183464 control chromosomes. The available data on variant occurrences in the general population are insufficient to allow any conclusion about variant significance. To our knowledge, no occurrence of c.226G>A in individuals affected with NLGN4X-related conditions and no experimental evidence demonstrating its impact on protein function have been reported. No submitters have cited clinical-significance assessments for this variant to ClinVar. Based on the evidence outlined above, the variant was classified as uncertain significance.